The following is an entry in ClinVar:

ClinVar aggregate classification (germline): Pathogenic/Likely pathogenic. Review status: criteria provided, multiple submitters, no conflicts (2 of 4 stars). 2 submissions from 2 submitters: Pathogenic (1); Likely pathogenic (1). Last evaluated 2025-09-18.

Conditions:
Chopra-Amiel-Gordon syndrome (CAGS). Also called: ANKRD17-Related Neurodevelopmental Syndrome. Identifiers: MedGen C5561975, MONDO:0859186, OMIM 619504.

Submissions (2):

GeneDx
Classification: Pathogenic. Last evaluated: 2025-09-18. Review status: criteria provided, single submitter. Criteria: GeneDx Variant Classification Process June 2021. Collection method: clinical testing. Allele origin: germline.
Comment: Frameshift variant predicted to result in protein truncation or nonsense mediated decay in a gene for which loss of function is a known mechanism of disease; Not observed at significant frequency in large population cohorts (gnomAD); Has not been previously published as pathogenic or benign to our knowledge

HudsonAlpha Institute for Biotechnology
Classification: Likely pathogenic for Chopra-Amiel-Gordon syndrome. Last evaluated: 2025-02-28. Review status: criteria provided, single submitter. Criteria: ACMG Guidelines, 2015. Collection method: research. Allele origin: paternal. Affected: yes. Observed: 1 variant allele. Study: HudsonAlpha-AGHI-WGS.

NM_032217.5(ANKRD17):c.3271del (p.Cys1091fs)

Gene: ANKRD17 (ankyrin repeat domain 17; minus strand). Cytogenetic location: 4q13.3.
Variant type: Deletion.
Coding change: c.3271del on transcript NM_032217.5 (MANE Select); coding-DNA position 3271, one base deleted (T; older notation c.3271delT).
Protein change: p.Cys1091fs; shifts the reading frame from cysteine 1091.
Molecular consequence: frameshift variant.
Genome position (GRCh38, 1-based): chr4:73,125,276, A deleted on the plus strand (T on the coding strand, the reverse complement: ANKRD17 is on the minus strand). VCF-style (leftmost placement, unchanged base first): chr4-73125275-CA-C. GRCh37 (hg19) VCF-style: chr4-73990992-CA-C.
Other names: c.3271del (NM_032217.4); c.2932del, p.Cys978fs (NM_001286771.3); c.3268del, p.Cys1090fs (NM_015574.2); c.2518del, p.Cys840fs (NM_198889.3); short protein forms C1090fs, C1091fs, C840fs, C978fs.
Identifiers: ClinVar variation 1251956 (VCV001251956.4), dbSNP rs2148721126, ClinGen allele CA2499217333.